The following is an entry in ClinVar:

ClinVar aggregate classification (germline): Uncertain significance (1 of 4 stars; one submission).

Conditions:
Autosomal dominant hypocalcemia 1 (HYPOC1). Also called: HYPOCALCEMIA, FAMILIAL. Identifiers: MedGen C3715128, MONDO:0011013, OMIM 601198.
Familial hypocalciuric hypercalcemia (FHH). Also called: Familial benign hypercalcemia. Identifiers: Orphanet 405, MedGen C1809471, MONDO:0018458.

Submission:

Labcorp Genetics (formerly Invitae), Labcorp
Classification: Uncertain significance for Familial hypocalciuric hypercalcemia; Autosomal dominant hypocalcemia 1. Last evaluated: 2022-03-05. Review status: criteria provided, single submitter. Criteria: Invitae Variant Classification Sherloc (09022015). Collection method: clinical testing. Allele origin: germline.
Comment: Algorithms developed to predict the effect of missense changes on protein structure and function output the following: SIFT: "Tolerated"; PolyPhen-2: "Benign"; Align-GVGD: "Class C0". The methionine amino acid residue is found in multiple mammalian species, which suggests that this missense change does not adversely affect protein function. This sequence change replaces valine, which is neutral and non-polar, with methionine, which is neutral and non-polar, at codon 1036 of the CASR protein (p.Val1036Met). This variant is not present in population databases (gnomAD no frequency). This variant has not been reported in the literature in individuals affected with CASR-related conditions. In summary, the available evidence is currently insufficient to determine the role of this variant in disease. Therefore, it has been classified as a Variant of Uncertain Significance.

NM_000388.4(CASR):c.3106G>A (p.Val1036Met)

Gene: CASR (calcium sensing receptor; plus strand). Cytogenetic location: 3q21.1.
Variant type: single nucleotide variant.
Coding change: c.3106G>A on transcript NM_000388.4 (MANE Select); coding-DNA position 3106, G replaced by A.
Protein change: p.Val1036Met; replaces valine 1036 with methionine.
Molecular consequence: missense variant.
Genome position (GRCh38, 1-based): chr3:122,285,060, G>A. VCF-style: chr3-122285060-G-A. GRCh37 (hg19) VCF-style: chr3-122003907-G-A.
Other names: c.3136G>A, p.Val1046Met (NM_001178065.2); short protein forms V1036M, V1046M.
Identifiers: ClinVar variation 2087958 (VCV002087958.4), dbSNP rs2473283753, ClinGen allele CA354161445.